The following is an entry in ClinVar:

ClinVar aggregate classification (germline): Uncertain significance (1 of 4 stars; one submission).

Submission:

GeneDx
Classification: Uncertain significance. Last evaluated: 2022-10-05. Review status: criteria provided, single submitter. Criteria: GeneDx Variant Classification Process June 2021. Collection method: clinical testing. Allele origin: germline. Affected: yes.
Comment: In silico analysis supports that this missense variant does not alter protein structure/function; Has not been previously published as pathogenic or benign to our knowledge; Not observed at significant frequency in large population cohorts (gnomAD)

NM_002473.6(MYH9):c.3601C>G (p.Leu1201Val)

Gene: MYH9 (myosin heavy chain 9; minus strand). Cytogenetic location: 22q12.3.
Variant type: single nucleotide variant.
Coding change: c.3601C>G on transcript NM_002473.6 (MANE Select); coding-DNA position 3601, C replaced by G.
Protein change: p.Leu1201Val; replaces leucine 1201 with valine.
Molecular consequence: missense variant.
Genome position (GRCh38, 1-based): chr22:36,294,961, G>C on the plus strand (C>G on the coding strand, the complement: MYH9 is on the minus strand). VCF-style: chr22-36294961-G-C. GRCh37 (hg19) VCF-style: chr22-36691007-G-C.
Other names: short protein forms L1201V.
Identifiers: ClinVar variation 1327155 (VCV001327155.3), dbSNP rs2146338160, ClinGen allele CA411387404.